The following is an entry in ClinVar:

ClinVar aggregate classification (germline): Benign/Likely benign. Review status: criteria provided, single submitter (1 of 4 stars). 2 submissions from 1 submitter: Benign (1); Likely benign (1). Last evaluated 2018-01-12.

Conditions:
Fibromatosis, gingival, 1 (GINGF1). Identifiers: Orphanet 2024, MedGen C4551558, MONDO:0007609, OMIM 135300.
Noonan syndrome 4 (NS4). Also called: SOS1-Related Noonan Syndrome; NOONAN SYNDROME WITH PIGMENTED VILLONODULAR SYNOVITIS. Identifiers: Orphanet 648, MedGen C1853120, MONDO:0012547, OMIM 610733.

Allele frequency attached by ClinVar (database versions not stated): gnomAD 0.00113 and 0.00203; TOPMed 0.00145; 1000 Genomes Project 0.00419; 1000 Genomes Project 30x 0.00453.

Submissions (2):

Illumina Laboratory Services, Illumina
Classification: Benign for Fibromatosis, gingival, 1. Last evaluated: 2018-01-12. Review status: criteria provided, single submitter. Criteria: ICSL Variant Classification Criteria 13 December 2019. Collection method: clinical testing. Allele origin: germline.
Comment: This variant was observed in the ICSL laboratory as part of a predisposition screen in an ostensibly healthy population. It had not been previously curated by ICSL or reported in the Human Gene Mutation Database (HGMD: prior to June 1st, 2018), and was therefore a candidate for classification through an automated scoring system. Utilizing variant allele frequency, disease prevalence and penetrance estimates, and inheritance mode, an automated score was calculated to assess if this variant is too frequent to cause the disease. Based on the score and internal cut-off values, a variant classified as benign is not then subjected to further curation. The score for this variant resulted in a classification of benign for this disease.

Illumina Laboratory Services, Illumina
Classification: Likely benign for Noonan syndrome 4. Last evaluated: 2018-01-12. Review status: criteria provided, single submitter. Criteria: ICSL Variant Classification Criteria 13 December 2019. Collection method: clinical testing. Allele origin: germline.
Comment: This variant was observed in the ICSL laboratory as part of a predisposition screen in an ostensibly healthy population. It had not been previously curated by ICSL or reported in the Human Gene Mutation Database (HGMD: prior to June 1st, 2018), and was therefore a candidate for classification through an automated scoring system. Utilizing variant allele frequency, disease prevalence and penetrance estimates, and inheritance mode, an automated score was calculated to assess if this variant is too frequent to cause the disease. Based on the score and internal cut-off values, a variant classified as likely benign is not then subjected to further curation. The score for this variant resulted in a classification of likely benign for this disease.

NM_005633.4(SOS1):c.*3592C>T

Gene: SOS1 (SOS Ras/Rac guanine nucleotide exchange factor 1; minus strand). Cytogenetic location: 2p22.1.
Variant type: single nucleotide variant.
Coding change: c.*3592C>T on transcript NM_005633.4 (MANE Select); 3592 bases downstream of the stop codon, C replaced by T.
Molecular consequence: 3 prime UTR variant.
Genome position (GRCh38, 1-based): chr2:38,982,232, G>A on the plus strand (C>T on the coding strand, the complement: SOS1 is on the minus strand). VCF-style: chr2-38982232-G-A. GRCh37 (hg19) VCF-style: chr2-39209373-G-A.
Other names: c.*3592C>T (NM_001382394.1, NM_001382395.1).
Identifiers: ClinVar variation 335971 (VCV000335971.5), dbSNP rs550315455, ClinGen allele CA10615398.